The following is an entry in ClinVar:

ClinVar aggregate classification (germline): Uncertain significance (1 of 4 stars; one submission).

Conditions:
Congenital disorder of glycosylation type 1E (CDG1E). Also called: CDG Ie; CONGENITAL DISORDER OF GLYCOSYLATION, TYPE Ie. Identifiers: Orphanet 79322, MedGen C1837396, MONDO:0012123, OMIM 608799.

Submission:

Labcorp Genetics (formerly Invitae), Labcorp
Classification: Uncertain significance for Congenital disorder of glycosylation type 1E. Last evaluated: 2021-11-19. Review status: criteria provided, single submitter. Criteria: Invitae Variant Classification Sherloc (09022015). Collection method: clinical testing. Allele origin: germline.
Comment: In summary, the available evidence is currently insufficient to determine the role of this variant in disease. Therefore, it has been classified as a Variant of Uncertain Significance. Algorithms developed to predict the effect of missense changes on protein structure and function (SIFT, PolyPhen-2, Align-GVGD) all suggest that this variant is likely to be disruptive. This variant has not been reported in the literature in individuals affected with DPM1-related conditions. This variant is not present in population databases (gnomAD no frequency). This sequence change replaces glycine, which is neutral and non-polar, with valine, which is neutral and non-polar, at codon 206 of the DPM1 protein (p.Gly206Val).

NM_003859.3(DPM1):c.617G>T (p.Gly206Val)

Genes: ADNP-AS1 (ADNP antisense RNA 1; plus strand), DPM1 (dolichyl-phosphate mannosyltransferase subunit 1, catalytic; minus strand). Cytogenetic location: 20q13.13.
Variant type: single nucleotide variant.
Coding change: c.617G>T on transcript NM_003859.3 (MANE Select); coding-DNA position 617, G replaced by T.
Protein change: p.Gly206Val; replaces glycine 206 with valine.
Molecular consequence: missense variant. On other transcripts: non-coding transcript variant (1).
Genome position (GRCh38, 1-based): chr20:50,936,209, C>A on the plus strand (G>T on the coding strand, the complement: DPM1 is on the minus strand). VCF-style: chr20-50936209-C-A. GRCh37 (hg19) VCF-style: chr20-49552746-C-A.
Other names: c.722G>T, p.Gly241Val (NM_001317034.1); c.698G>T, p.Gly233Val (NM_001317035.1); c.548G>T, p.Gly183Val (NM_001317036.1); short protein forms G183V, G233V, G241V, G206V.
Identifiers: ClinVar variation 1426782 (VCV001426782.6), dbSNP rs760063295, ClinGen allele CA408987430.
Genomic context (GRCh38, chr20:50,936,209, plus strand): 5'-TCGCCAATAGTATAATTCAACTGTCTTGCCCGAACAATCATCTCCATCTGGAAGACGTAG[C>A]CTTTAGAAACACATTTTTCTATTAATTTCTCTAGAACTTCTTTTCGGTATAATCTGTAAG-3'
Protein context (NP_003850.1, residues 196-216): EKLIEKCVSK[Gly206Val]YVFQMEMIVR